The following is an entry in ClinVar:

NM_003476.3(CSRP3):c.-236G>C

Genes: CSRP3 (cysteine and glycine rich protein 3; minus strand), CSRP3-AS1 (CSRP3 and E2F8 antisense RNA 1; plus strand). Cytogenetic location: 11p15.1.
Variant type: single nucleotide variant.
Coding change: c.-236G>C on transcript NM_003476.3; 236 bases upstream of the start codon, G replaced by C.
Genome position (GRCh38, 1-based): chr11:19,202,161, C>G on the plus strand (G>C on the coding strand, the complement: CSRP3 is on the minus strand). VCF-style: chr11-19202161-C-G. GRCh37 (hg19) VCF-style: chr11-19223708-C-G.
Identifiers: ClinVar variation 391442 (VCV000391442.3), dbSNP rs1057524085, ClinGen allele CA16606212.

ClinVar aggregate classification (germline): Likely benign (1 of 4 stars; one submission).

Allele frequency attached by ClinVar (database versions not stated): gnomAD 0.00001.

Submission:

GeneDx
Classification: Likely benign. Last evaluated: 2016-12-07. Review status: criteria provided, single submitter. Criteria: GeneDx Variant Classification (06012015). Collection method: clinical testing. Allele origin: germline. Affected: yes.
Comment: This variant is considered likely benign or benign based on one or more of the following criteria: it is a conservative change, it occurs at a poorly conserved position in the protein, it is predicted to be benign by multiple in silico algorithms, and/or has population frequency not consistent with disease.